The following is an entry in ClinVar:

NM_001458.5(FLNC):c.4493A>G (p.Asp1498Gly)

Gene: FLNC (filamin C; plus strand). Cytogenetic location: 7q32.1.
Variant type: single nucleotide variant.
Coding change: c.4493A>G on transcript NM_001458.5 (MANE Select); coding-DNA position 4493, A replaced by G.
Protein change: p.Asp1498Gly; replaces aspartic acid 1498 with glycine.
Molecular consequence: missense variant.
Genome position (GRCh38, 1-based): chr7:128,847,981, A>G. VCF-style: chr7-128847981-A-G. GRCh37 (hg19) VCF-style: chr7-128488035-A-G.
Other names: c.4493A>G, p.Asp1498Gly (NM_001127487.2); short protein forms D1498G.
Identifiers: ClinVar variation 2948574 (VCV002948574.3), dbSNP rs1808632986, ClinGen allele CA369201879.

ClinVar aggregate classification (germline): Uncertain significance (1 of 4 stars; one submission).

Conditions:
Hypertrophic cardiomyopathy 26. Also called: Cardiomyopathy, familial hypertrophic, 26. Identifiers: Orphanet 75249, MedGen C4310749, MONDO:0014883, OMIM 617047.
Myofibrillar myopathy 5. Also called: Filaminopathy (type); FILAMINOPATHY, AUTOSOMAL DOMINANT. Identifiers: Orphanet 171445, MedGen C1836050, MONDO:0012289, OMIM 609524.
Distal myopathy with posterior leg and anterior hand involvement. Also called: WILLIAMS DISTAL MYOPATHY. Identifiers: Orphanet 63273, MedGen C3279722, MONDO:0013550, OMIM 614065.

Submission:

Labcorp Genetics (formerly Invitae), Labcorp
Classification: Uncertain significance for Distal myopathy with posterior leg and anterior hand involvement; Myofibrillar myopathy 5; Hypertrophic cardiomyopathy 26. Last evaluated: 2023-06-05. Review status: criteria provided, single submitter. Criteria: Invitae Variant Classification Sherloc (09022015). Collection method: clinical testing. Allele origin: germline.
Comment: In summary, the available evidence is currently insufficient to determine the role of this variant in disease. Therefore, it has been classified as a Variant of Uncertain Significance. Algorithms developed to predict the effect of missense changes on protein structure and function output the following: SIFT: "Not Available"; PolyPhen-2: "Benign"; Align-GVGD: "Not Available". The glycine amino acid residue is found in multiple mammalian species, which suggests that this missense change does not adversely affect protein function. This variant has not been reported in the literature in individuals affected with FLNC-related conditions. This variant is not present in population databases (gnomAD no frequency). This sequence change replaces aspartic acid, which is acidic and polar, with glycine, which is neutral and non-polar, at codon 1498 of the FLNC protein (p.Asp1498Gly).